The following is an entry in ClinVar:

NM_017852.5(NLRP2):c.1496_1498dup (p.Tyr499dup)

Gene: NLRP2 (NLR family pyrin domain containing 2; plus strand). Cytogenetic location: 19q13.42.
Variant type: Duplication.
Coding change: c.1496_1498dup on transcript NM_017852.5 (MANE Select); coding-DNA positions 1496 to 1498, 3 bases duplicated (ACT; older notation c.1496_1498dupACT).
Protein change: p.Tyr499dup; duplicates tyrosine 499.
Molecular consequence: inframe insertion. On other transcripts: non-coding transcript variant (1).
Genome position (GRCh38, 1-based): chr19:54,983,194-54,983,196, ACT duplicated; duplicating any 3 consecutive bases within chr19:54,983,192-54,983,196 gives the same sequence; the c. name uses the placement nearest the transcript's 3' end. VCF-style (leftmost placement, unchanged base first): chr19-54983191-G-GCTA. GRCh37 (hg19) VCF-style: chr19-55494559-G-GCTA.
Other names: c.1496_1498dup, p.Tyr499dup (NM_001174081.3); c.1430_1432dup, p.Tyr477dup (NM_001174082.3); c.1427_1429dup, p.Tyr476dup (NM_001174083.2); c.1487_1489dup, p.Tyr496dup (NM_001348003.2); c.1496_1498dup (NM_017852.3).
Identifiers: ClinVar variation 1335369 (VCV001335369.37), dbSNP rs753221956, ClinGen allele CA310104794.
Genomic context (GRCh38, chr19:54,983,191, plus strand): 5'-CCGACCTCCGTCTGTTCCTGGACGGAGACATCCTCCGCCAGGACAGAGTCTCCAAAGGCT[G>GCTA]CTACTCCTTCATCCACCTCAGCTTCCAGCAGTTTCTCACTGCCCTGTTCTACACCCTGGA-3'

ClinVar aggregate classification (germline): Conflicting classifications of pathogenicity. Review status: criteria provided, conflicting classifications (1 of 4 stars). 3 submissions from 3 submitters: Uncertain significance (1); Likely benign (2). Last evaluated 2026-07-01.

Submissions (3):

CeGaT Center for Human Genetics Tuebingen
Classification: Likely benign. Last evaluated: 2026-07-01. Review status: criteria provided, single submitter. Criteria: CeGaT Center For Human Genetics Tuebingen Variant Classification Criteria Version 2. Collection method: clinical testing. Allele origin: germline. Affected: yes. Observed: 4 variant alleles.
Comment: NLRP2: PM4:Supporting, BS2

Laboratory of Genetics, Children's Clinical University Hospital Latvia
Classification: Likely benign. Last evaluated: 2025-02-16. Review status: criteria provided, single submitter. Criteria: ACMG Guidelines, 2015. Collection method: clinical testing. Allele origin: germline. Affected: yes.

GeneDx
Classification: Uncertain significance. Last evaluated: 2023-02-07. Review status: criteria provided, single submitter. Criteria: GeneDx Variant Classification Process June 2021. Collection method: clinical testing. Allele origin: germline. Affected: yes.
Comment: In-frame insertion of 1 amino acids in a non-repeat region; Has not been previously published as pathogenic or benign to our knowledge